The following is an entry in ClinVar:

NM_000127.3(EXT1):c.574A>G (p.Ile192Val)

Gene: EXT1 (exostosin glycosyltransferase 1; minus strand). Cytogenetic location: 8q24.11.
Variant type: single nucleotide variant.
Coding change: c.574A>G on transcript NM_000127.3 (MANE Select); coding-DNA position 574, A replaced by G.
Protein change: p.Ile192Val; replaces isoleucine 192 with valine.
Molecular consequence: missense variant.
Genome position (GRCh38, 1-based): chr8:118,110,473, T>C on the plus strand (A>G on the coding strand, the complement: EXT1 is on the minus strand). VCF-style: chr8-118110473-T-C. GRCh37 (hg19) VCF-style: chr8-119122712-T-C.
Other names: short protein forms I192V.
Identifiers: ClinVar variation 2675182 (VCV002675182.4), dbSNP rs2488051548, ClinGen allele CA371915539.
Genomic context (GRCh38, chr8:118,110,473, plus strand): 5'-CGATGTCAAACCCCACGTCCTCGGTGTAGTCAGGCCAAGTGCCGGAATATAAATTAAAAA[T>C]TAAATGATTCCTACCATTGTTCCACAAGTGGAGACTCTGCACTTTGGATCTCAAATTGTG-3'
Protein context (NP_000118.2, residues 182-202): HLWNNGRNHL[Ile192Val]FNLYSGTWPD

ClinVar aggregate classification (germline): Uncertain significance. Review status: criteria provided, multiple submitters, no conflicts (2 of 4 stars). 2 submissions from 2 submitters: Uncertain significance (2). Last evaluated 2023-05-24.

Conditions:
Multiple congenital exostosis (EXT). Also called: Multiple osteochondromas; MULTIPLE CARTILAGINOUS EXOSTOSES; Hereditary multiple osteochondromas; Hereditary multiple exostoses; Hereditary multiple exostosis; Multiple exostoses. Identifiers: Orphanet 321, MedGen C0015306, MONDO:0005508, HP:0002762.
Chondrosarcoma. Also called: Chondrosarcoma, somatic. Identifiers: Orphanet 55880, MedGen C0008479, MONDO:0008977, OMIM 215300, HP:0006765.

Submissions (2):

Baylor Genetics
Classification: Uncertain significance for Chondrosarcoma. Last evaluated: 2023-05-24. Review status: criteria provided, single submitter. Criteria: ACMG Guidelines, 2015. Collection method: clinical testing. Allele origin: unknown.

Labcorp Genetics (formerly Invitae), Labcorp
Classification: Uncertain significance for Multiple congenital exostosis. Last evaluated: 2023-04-02. Review status: criteria provided, single submitter. Criteria: Invitae Variant Classification Sherloc (09022015). Collection method: clinical testing. Allele origin: germline.
Comment: This variant has not been reported in the literature in individuals affected with EXT1-related conditions. Advanced modeling of protein sequence and biophysical properties (such as structural, functional, and spatial information, amino acid conservation, physicochemical variation, residue mobility, and thermodynamic stability) performed at Invitae indicates that this missense variant is not expected to disrupt EXT1 protein function. In summary, the available evidence is currently insufficient to determine the role of this variant in disease. Therefore, it has been classified as a Variant of Uncertain Significance. This variant is not present in population databases (gnomAD no frequency). This sequence change replaces isoleucine, which is neutral and non-polar, with valine, which is neutral and non-polar, at codon 192 of the EXT1 protein (p.Ile192Val).